The following is an entry in ClinVar:

ClinVar aggregate classification (germline): Uncertain significance. Review status: criteria provided, multiple submitters, no conflicts (2 of 4 stars). 2 submissions from 2 submitters: Uncertain significance (2). Last evaluated 2024-05-06.

Allele frequency attached by ClinVar (database versions not stated): ESP Exome Variant Server 0.00008; gnomAD exomes 0.00011; gnomAD 0.00012; TOPMed 0.00014; ExAC 0.00015.
gnomAD v4.1: 181 of 1,613,014 alleles (0.011%); highest among the groups gnomAD compares: Middle Eastern, 0.033%; no homozygotes.

Submissions (2):

Labcorp Genetics (formerly Invitae), Labcorp
Classification: Uncertain significance. Last evaluated: 2024-05-06. Review status: criteria provided, single submitter. Criteria: Invitae Variant Classification Sherloc (09022015). Collection method: clinical testing. Allele origin: germline.
Comment: This sequence change replaces arginine, which is basic and polar, with glutamine, which is neutral and polar, at codon 1110 of the FMN1 protein (p.Arg1110Gln). This variant is present in population databases (rs374934202, gnomAD 0.03%). This variant has not been reported in the literature in individuals affected with FMN1-related conditions. ClinVar contains an entry for this variant (Variation ID: 2232518). An algorithm developed to predict the effect of missense changes on protein structure and function (PolyPhen-2) suggests that this variant is likely to be tolerated. In summary, the available evidence is currently insufficient to determine the role of this variant in disease. Therefore, it has been classified as a Variant of Uncertain Significance.

Ambry Genetics
Classification: Uncertain significance. Last evaluated: 2024-03-04. Review status: criteria provided, single submitter. Criteria: Ambry Variant Classification Scheme 2023. Collection method: clinical testing. Allele origin: germline.

NM_001277313.2(FMN1):c.3998G>A (p.Arg1333Gln)

Gene: FMN1 (formin 1; minus strand). Cytogenetic location: 15q13.3.
Variant type: single nucleotide variant.
Coding change: c.3998G>A on transcript NM_001277313.2 (MANE Select); coding-DNA position 3998, G replaced by A.
Protein change: p.Arg1333Gln; replaces arginine 1333 with glutamine.
Molecular consequence: missense variant.
Genome position (GRCh38, 1-based): chr15:32,798,936, C>T on the plus strand (G>A on the coding strand, the complement: FMN1 is on the minus strand). VCF-style: chr15-32798936-C-T. GRCh37 (hg19) VCF-style: chr15-33091137-C-T.
Other names: c.3329G>A, p.Arg1110Gln (NM_001103184.4); short protein forms R1110Q, R1333Q.
Identifiers: ClinVar variation 2232518 (VCV002232518.4), dbSNP rs374934202, ClinGen allele CA7456292.